The following is an entry in ClinVar:

NM_000069.3(CACNA1S):c.2481G>C (p.Met827Ile)

Gene: CACNA1S (calcium voltage-gated channel subunit alpha1 S; minus strand). Cytogenetic location: 1q32.1.
Variant type: single nucleotide variant.
Coding change: c.2481G>C on transcript NM_000069.3 (MANE Select); coding-DNA position 2481, G replaced by C.
Protein change: p.Met827Ile; replaces methionine 827 with isoleucine.
Molecular consequence: missense variant.
Genome position (GRCh38, 1-based): chr1:201,069,481, C>G on the plus strand (G>C on the coding strand, the complement: CACNA1S is on the minus strand). VCF-style: chr1-201069481-C-G. GRCh37 (hg19) VCF-style: chr1-201038609-C-G.
Other names: short protein forms M827I.
Identifiers: ClinVar variation 4788632 (VCV004788632.1).

ClinVar aggregate classification (germline): Uncertain significance (1 of 4 stars; one submission).

Conditions:
Malignant hyperthermia, susceptibility to, 5 (MHS5). Also called: CACNA1S-Related Malignant Hyperthermia Susceptibility. Identifiers: Orphanet 423, MedGen C1866077, MONDO:0011163, OMIM 601887.
Hypokalemic periodic paralysis, type 1. Also called: HypoPP; Hypokalemic Periodic Paralysis Type 1 (AD). Identifiers: Orphanet 681, MedGen C3714580, MONDO:0042979, OMIM 170400.

Submission:

Labcorp Genetics (formerly Invitae), Labcorp
Classification: Uncertain significance for Hypokalemic periodic paralysis, type 1; Malignant hyperthermia, susceptibility to, 5. Last evaluated: 2026-01-14. Review status: criteria provided, single submitter. Criteria: Invitae Variant Classification Sherloc (09022015). Collection method: clinical testing. Allele origin: germline.
Comment: This sequence change replaces methionine, which is neutral and non-polar, with isoleucine, which is neutral and non-polar, at codon 827 of the CACNA1S protein (p.Met827Ile). This variant is not present in population databases (gnomAD no frequency). This variant has not been reported in the literature in individuals affected with CACNA1S-related conditions. Invitae Evidence Modeling of protein sequence and biophysical properties (such as structural, functional, and spatial information, amino acid conservation, physicochemical variation, residue mobility, and thermodynamic stability) indicates that this missense variant is not expected to disrupt CACNA1S protein function with a negative predictive value of 95%. In summary, the available evidence is currently insufficient to determine the role of this variant in disease. Therefore, it has been classified as a Variant of Uncertain Significance.